The following is an entry in ClinVar:

NM_001145475.3(FAM186A):c.4788G>A (p.Ala1596=)

Gene: FAM186A (family with sequence similarity 186 member A; minus strand). Cytogenetic location: 12q13.12.
Variant type: single nucleotide variant.
Coding change: c.4788G>A on transcript NM_001145475.3 (MANE Select); coding-DNA position 4788, G replaced by A.
Protein change: p.Ala1596=; no amino-acid change (alanine 1596 retained).
Molecular consequence: synonymous variant.
Genome position (GRCh38, 1-based): chr12:50,352,044, C>T on the plus strand (G>A on the coding strand, the complement: FAM186A is on the minus strand). VCF-style: chr12-50352044-C-T. GRCh37 (hg19) VCF-style: chr12-50745827-C-T.
Identifiers: ClinVar variation 3778168 (VCV003778168.7).
Genomic context (GRCh38, chr12:50,352,044, plus strand): 5'-GGTGAGAGGGATCCCCTGAGCCTGCGCCTGCTGAGGGGTGAGAGGGATCCCCAGTTCCTG[C>T]GCCTGCTGAGGGGTGAGAGGGATCCCCAGTTCCTGCGCCTGCTGAGGGGTGAGAGGGATC-3'
Protein context (NP_001138947.1, residues 1586-1606): ELGIPLTPQQ[Ala1596=]QELGIPLTPQ

ClinVar aggregate classification (germline): Likely benign (1 of 4 stars; one submission).

gnomAD v4.1: 22 of 897,428 alleles (0.0025%); highest among the groups gnomAD compares: Middle Eastern, 0.17%; 4 homozygotes.

Submission:

CeGaT Center for Human Genetics Tuebingen
Classification: Likely benign. Last evaluated: 2025-03-01. Review status: criteria provided, single submitter. Criteria: CeGaT Center For Human Genetics Tuebingen Variant Classification Criteria Version 2. Collection method: clinical testing. Allele origin: germline. Affected: yes. Observed: 1 variant allele.
Comment: FAM186A: BP4, BP7